The following is an entry in ClinVar:

ClinVar aggregate classification (germline): Pathogenic (1 of 4 stars; one submission).

Submission:

Labcorp Genetics (formerly Invitae), Labcorp
Classification: Pathogenic. Last evaluated: 2020-09-16. Review status: criteria provided, single submitter. Criteria: Invitae Variant Classification Sherloc (09022015). Collection method: clinical testing. Allele origin: germline.
Comment: For these reasons, this variant has been classified as Pathogenic. Loss-of-function variants in VPS13A are known to be pathogenic (PMID: 12404112, 21598378). This variant has not been reported in the literature in individuals with VPS13A-related conditions. This variant is not present in population databases (ExAC no frequency). This sequence change creates a premature translational stop signal (p.Lys623Asnfs*29) in the VPS13A gene. It is expected to result in an absent or disrupted protein product.

Literature cited by the submitters: PubMed 12404112; PubMed 21598378.

NM_033305.3(VPS13A):c.1869del (p.Lys623fs)

Gene: VPS13A (vacuolar protein sorting 13 homolog A; plus strand). Cytogenetic location: 9q21.2.
Variant type: Deletion.
Coding change: c.1869del on transcript NM_033305.3 (MANE Select); coding-DNA position 1869, one base deleted (A; older notation c.1869delA).
Protein change: p.Lys623fs; shifts the reading frame from lysine 623.
Molecular consequence: frameshift variant.
Genome position (GRCh38, 1-based): chr9:77,238,355, A deleted; the last of 4 consecutive A bases (chr9:77,238,352-77,238,355); deleting any one gives the same sequence. VCF-style (leftmost placement, unchanged base first): chr9-77238351-CA-C. GRCh37 (hg19) VCF-style: chr9-79853267-CA-C.
Other names: c.1869del, p.Lys623fs (NM_001018037.2, NM_001018038.3, NM_015186.4); short protein forms K623fs.
Identifiers: ClinVar variation 1075357 (VCV001075357.7), dbSNP rs2131231475, ClinGen allele CA2499219969.